The following is an entry in ClinVar:

ClinVar aggregate classification (germline): Pathogenic (1 of 4 stars; one submission).

Conditions:
Achondrogenesis, type IA (ACG1A). Identifiers: Orphanet 932, Orphanet 93299, MedGen C0265273, MONDO:0008701, OMIM 200600.

Submission:

Labcorp Genetics (formerly Invitae), Labcorp
Classification: Pathogenic for Achondrogenesis, type IA. Last evaluated: 2019-09-12. Review status: criteria provided, single submitter. Criteria: Invitae Variant Classification Sherloc (09022015). Collection method: clinical testing. Allele origin: germline.
Comment: For these reasons, this variant has been classified as Pathogenic. Loss-of-function variants in TRIP11 are known to be pathogenic (PMID: 20089971, 23956106). This variant has not been reported in the literature in individuals with TRIP11-related disease. This variant is not present in population databases (ExAC no frequency). This sequence change creates a premature translational stop signal (p.Glu1118Ilefs*21) in the TRIP11 gene. It is expected to result in an absent or disrupted protein product.

Literature cited by the submitters: PubMed 20089971; PubMed 23956106.

NM_004239.4(TRIP11):c.3352_3353del (p.Glu1118fs)

Gene: TRIP11 (thyroid hormone receptor interactor 11; minus strand). Cytogenetic location: 14q32.12.
Variant type: Deletion.
Coding change: c.3352_3353del on transcript NM_004239.4 (MANE Select); coding-DNA positions 3352 to 3353, 2 bases deleted (GA; older notation c.3352_3353delGA).
Protein change: p.Glu1118fs; shifts the reading frame from glutamic acid 1118.
Molecular consequence: frameshift variant.
Genome position (GRCh38, 1-based): chr14:92,004,623-92,004,624, TC deleted on the plus strand (GA on the coding strand, the reverse complement: TRIP11 is on the minus strand); deleting any 2 consecutive bases within chr14:92,004,623-92,004,625 gives the same sequence; the c. name uses the placement nearest the transcript's 3' end. VCF-style (leftmost placement, unchanged base first): chr14-92004622-TTC-T. GRCh37 (hg19) VCF-style: chr14-92470966-TTC-T.
Other names: c.3349_3350del, p.Glu1117fs (NM_001321851.1); c.3352_3353delGA (NM_004239.4); short protein forms E1118fs, E1117fs.
Identifiers: ClinVar variation 579327 (VCV000579327.8), dbSNP rs1566859264, ClinGen allele CA891843633.